The following is an entry in ClinVar:

NM_007055.4(POLR3A):c.2100del (p.Ile700fs)

Gene: POLR3A (RNA polymerase III subunit A; minus strand). Cytogenetic location: 10q22.3.
Variant type: Deletion.
Coding change: c.2100del on transcript NM_007055.4 (MANE Select); coding-DNA position 2100, one base deleted (C; older notation c.2100delC).
Protein change: p.Ile700fs; shifts the reading frame from isoleucine 700.
Molecular consequence: frameshift variant.
Genome position (GRCh38, 1-based): chr10:78,004,863, G deleted on the plus strand (C on the coding strand, the reverse complement: POLR3A is on the minus strand). VCF-style (leftmost placement, unchanged base first): chr10-78004862-CG-C. GRCh37 (hg19) VCF-style: chr10-79764620-CG-C.
Other names: c.2100delC (NM_007055.4); short protein forms I700fs.
Identifiers: ClinVar variation 3366589 (VCV003366589.1).

ClinVar aggregate classification (germline): Pathogenic (1 of 4 stars; one submission).

Conditions:
POLR-related leukodystrophy. Also called: 4H leukodystrophy. Identifiers: Orphanet 289494, MedGen C5679947, MONDO:0100605.

Submission:

Women's Health and Genetics/Laboratory Corporation of America, LabCorp
Classification: Pathogenic for POLR-related leukodystrophy. Last evaluated: 2024-08-27. Review status: criteria provided, single submitter. Criteria: LabCorp Variant Classification Summary - May 2015. Collection method: clinical testing. Allele origin: germline.
Comment: Variant summary: POLR3A c.2100delC (p.Ile700MetfsX11) results in a premature termination codon, predicted to cause a truncation of the encoded protein or absence of the protein due to nonsense mediated decay, which are commonly known mechanisms for disease. The variant was absent in 251468 control chromosomes. To our knowledge, no occurrence of c.2100delC in individuals affected with Pol III-Related Leukodystrophy and no experimental evidence demonstrating its impact on protein function have been reported. No submitters have cited clinical-significance assessments for this variant to ClinVar. Based on the evidence outlined above, the variant was classified as pathogenic.